The following is an entry in ClinVar:

ClinVar aggregate classification (germline): Likely benign (1 of 4 stars; one submission).

gnomAD v4.1: 1,097 of 1,614,088 alleles (0.068%); highest among the groups gnomAD compares: Non-Finnish European, 0.085%; no homozygotes.

Submission:

CeGaT Center for Human Genetics Tuebingen
Classification: Likely benign. Last evaluated: 2024-08-01. Review status: criteria provided, single submitter. Criteria: CeGaT Center For Human Genetics Tuebingen Variant Classification Criteria Version 2. Collection method: clinical testing. Allele origin: germline. Affected: yes. Observed: 1 variant allele.
Comment: LRRTM3: BP4, BP7

NM_178011.5(LRRTM3):c.1278G>T (p.Ala426=)

Genes: CTNNA3 (catenin alpha 3; minus strand), LRRTM3 (leucine rich repeat transmembrane neuronal 3; plus strand), LOC101928961 (uncharacterized LOC101928961; minus strand). Cytogenetic location: 10q21.3.
Variant type: single nucleotide variant.
Coding change: c.1278G>T on transcript NM_178011.5 (MANE Select); coding-DNA position 1278, G replaced by T.
Protein change: p.Ala426=; no amino-acid change (alanine 426 retained).
Molecular consequence: synonymous variant. On other transcripts: intron variant (2).
Genome position (GRCh38, 1-based): chr10:66,928,194, G>T. VCF-style: chr10-66928194-G-T. GRCh37 (hg19) VCF-style: chr10-68687952-G-T.
Other names: c.1048-152670C>A (NM_013266.4, NM_001127384.3).
Identifiers: ClinVar variation 3341695 (VCV003341695.16).